The following is an entry in ClinVar:

ClinVar aggregate classification (germline): Uncertain significance (1 of 4 stars; one submission).

Allele frequency attached by ClinVar (database versions not stated): TOPMed 0.00001.

Submission:

GeneDx
Classification: Uncertain significance. Last evaluated: 2023-12-15. Review status: criteria provided, single submitter. Criteria: GeneDx Variant Classification Process June 2021. Collection method: clinical testing. Allele origin: germline. Affected: yes.
Comment: Not observed at significant frequency in large population cohorts (gnomAD); In silico analysis supports that this missense variant has a deleterious effect on protein structure/function; Has not been previously published as pathogenic or benign to our knowledge

NM_001415.4(EIF2S3):c.622C>T (p.Leu208Phe)

Gene: EIF2S3 (eukaryotic translation initiation factor 2 subunit gamma; plus strand). Cytogenetic location: Xp22.11.
Variant type: single nucleotide variant.
Coding change: c.622C>T on transcript NM_001415.4 (MANE Select); coding-DNA position 622, C replaced by T.
Protein change: p.Leu208Phe; replaces leucine 208 with phenylalanine.
Molecular consequence: missense variant.
Genome position (GRCh38, 1-based): chrX:24,062,559, C>T. VCF-style: chrX-24062559-C-T. GRCh37 (hg19) VCF-style: chrX-24080676-C-T.
Other names: short protein forms L208F.
Identifiers: ClinVar variation 2504521 (VCV002504521.2), dbSNP rs1201132541, ClinGen allele CA412595161.
Genomic context (GRCh38, chrX:24,062,559, plus strand): 5'-CTACAAAATAAAATTGATTTGGTAAAAGAAAGTCAGGCTAAAGAACAATACGAGCAGATC[C>T]TTGCATTTGTCCAAGGTAAGAAGCCATAATATGAAATAAATCTATGAATCACTTTGAGAG-3'
Protein context (NP_001406.1, residues 198-218): SQAKEQYEQI[Leu208Phe]AFVQGTVAEG